The following is an entry in ClinVar:

ClinVar aggregate classification (germline): Uncertain significance (1 of 4 stars; one submission).

Conditions:
Deficiency of acetyl-CoA acetyltransferase. Also called: 3-KETOTHIOLASE DEFICIENCY; 3-OXOTHIOLASE DEFICIENCY; MITOCHONDRIAL ACETOACETYL-CoA THIOLASE DEFICIENCY; Beta-ketothiolase deficiency. Identifiers: Orphanet 134, MedGen C1536500, MONDO:0008760, OMIM 203750. Disease mechanism: loss of function.

gnomAD v4.1: 1 of 1,609,836 alleles (0.000062%); highest among the groups gnomAD compares: Non-Finnish European, 0.000085%; no homozygotes.

Submission:

Department of Molecular Genetics, Istishari Arab Hospital
Classification: Uncertain significance for Deficiency of acetyl-CoA acetyltransferase. Review status: criteria provided, single submitter. Criteria: ACMG Guidelines, 2015. Collection method: clinical testing. Allele origin: inherited. Inheritance: Autosomal recessive inheritance. Affected: yes.
Comment: This is a missense variant results in the substitution of a highly conserved cysteine with phenylalanine (p.Cys142Phe) within a critical functional domain of ACAT1 (PM1). To the best of our knowledge, this variant has not been reported in the literature. It is extremely rare in population databases (PM2) and is predicted to be deleterious by multiple in silico tools (PolyPhen-2: 1.0; SIFT: 0.01; CADD: 24.8; Alpha Missense Score: 0.85; PP3). Although the variant may affect protein function, functional validation and segregation data are currently lacking, precluding definitive classification. Based on current evidence, the variant is classified as a variant of uncertain significance (VUS), per ACMG criteria: PM1, PM2, PP2, PP3.

NM_000019.4(ACAT1):c.425G>T (p.Cys142Phe)

Gene: ACAT1 (acetyl-CoA acetyltransferase 1; plus strand). Cytogenetic location: 11q22.3.
Variant type: single nucleotide variant.
Coding change: c.425G>T on transcript NM_000019.4 (MANE Select); coding-DNA position 425, G replaced by T.
Protein change: p.Cys142Phe; replaces cysteine 142 with phenylalanine.
Molecular consequence: missense variant. On other transcripts: non-coding transcript variant (1), intron variant (1).
Genome position (GRCh38, 1-based): chr11:108,135,232, G>T. VCF-style: chr11-108135232-G-T. GRCh37 (hg19) VCF-style: chr11-108005959-G-T.
Other names: p.Cys142Phe; c.425G>T, p.Cys142Phe (NM_001386677.1); c.128G>T, p.Cys43Phe (NM_001386679.1); c.155G>T, p.Cys52Phe (NM_001386681.1, NM_001386682.1, NM_001386685.1 and 6 more transcripts); c.120+3278G>T (NM_001386678.1); short protein forms C142F, C43F, C52F.
Identifiers: ClinVar variation 3775167 (VCV003775167.1), dbSNP rs1565289624.
Genomic context (GRCh38, chr11:108,135,232, plus strand): 5'-TAAACAAAGTTTGTGCTTCAGGAATGAAAGCCATCATGATGGCCTCTCAAAGTCTTATGT[G>T]TGGACATCAGGTAAGAAACACCGTCCTTCCCATTTATTAATCAGAGTAATACCTAGGGCT-3'
Protein context (NP_000010.1, residues 132-152): AIMMASQSLM[Cys142Phe]GHQDVMVAGG